The following is an entry in ClinVar:

ClinVar aggregate classification (germline): Uncertain significance (1 of 4 stars; one submission).

Submission:

GeneDx
Classification: Uncertain significance. Last evaluated: 2022-04-15. Review status: criteria provided, single submitter. Criteria: GeneDx Variant Classification Process June 2021. Collection method: clinical testing. Allele origin: germline. Affected: yes.
Comment: Not observed at significant frequency in large population cohorts (gnomAD); In silico analysis supports that this missense variant does not alter protein structure/function; Has not been previously published as pathogenic or benign to our knowledge

NM_005445.4(SMC3):c.1345G>A (p.Glu449Lys)

Gene: SMC3 (structural maintenance of chromosomes 3; plus strand). Cytogenetic location: 10q25.2.
Variant type: single nucleotide variant.
Coding change: c.1345G>A on transcript NM_005445.4 (MANE Select); coding-DNA position 1345, G replaced by A.
Protein change: p.Glu449Lys; replaces glutamic acid 449 with lysine.
Molecular consequence: missense variant.
Genome position (GRCh38, 1-based): chr10:110,589,644, G>A. VCF-style: chr10-110589644-G-A. GRCh37 (hg19) VCF-style: chr10-112349402-G-A.
Other names: short protein forms E449K.
Identifiers: ClinVar variation 1302290 (VCV001302290.3), dbSNP rs2134735622, ClinGen allele CA378387115.